The following is an entry in ClinVar:

NM_198075.4(LRRC56):c.326+7G>A

Gene: LRRC56 (leucine rich repeat containing 56; plus strand). Cytogenetic location: 11p15.5.
Variant type: single nucleotide variant.
Coding change: c.326+7G>A on transcript NM_198075.4 (MANE Select); 7 bases into the intron after coding-DNA position 326, G replaced by A.
Molecular consequence: intron variant.
Genome position (GRCh38, 1-based): chr11:544,787, G>A. VCF-style: chr11-544787-G-A. GRCh37 (hg19) VCF-style: chr11-544787-G-A.
Other names: c.326+7G>A (NM_198075.3).
Identifiers: ClinVar variation 1924013 (VCV001924013.7), dbSNP rs774227975, ClinGen allele CA5779633.
Genomic context (GRCh38, chr11:544,787, plus strand): 5'-CCTGCCCAACCTGGACCAACTGAAGCTGAACGGCAGCCACCTGGGCTCCCTGAGGTGAGC[G>A]CCTGAGGGGGGTGGGCTGGGGCCCTGCCATGAGGGGGTCCGATGGGACAGGCCCTGCAGG-3'

ClinVar aggregate classification (germline): Likely benign. Review status: criteria provided, single submitter (1 of 4 stars). 2 submissions from 2 submitters: Likely benign (1). 1 of the submissions does not count toward it. Last evaluated 2025-05-27.

Conditions:
LRRC56-related disorder. Also called: LRRC56-related condition.

Allele frequency attached by ClinVar (database versions not stated): gnomAD 0.00004; gnomAD exomes 0.00004; ExAC 0.00005; TOPMed 0.00008.
gnomAD v4.1: 61 of 1,610,592 alleles (0.0038%); highest among the groups gnomAD compares: South Asian, 0.041%; no homozygotes.

Submissions (2):

Labcorp Genetics (formerly Invitae), Labcorp
Classification: Likely benign. Last evaluated: 2025-05-27. Review status: criteria provided, single submitter. Criteria: Invitae Variant Classification Sherloc (09022015). Collection method: clinical testing. Allele origin: germline.

PreventionGenetics, part of Exact Sciences
Classification: Likely benign for LRRC56-related condition. Last evaluated: 2019-12-30. Review status: no assertion criteria provided. Collection method: clinical testing. Allele origin: germline. Not counted in ClinVar's aggregate classification.
Comment: This variant is classified as likely benign based on ACMG/AMP sequence variant interpretation guidelines (Richards et al. 2015 PMID: 25741868, with internal and published modifications).